The following is an entry in ClinVar:

ClinVar aggregate classification (germline): Uncertain significance (1 of 4 stars; one submission).

Conditions:
Susceptibility to HIV infection. Also called: Human immunodeficiency virus type 1, susceptibility to; HIV-1, SUSCEPTIBILITY TO; HUMAN IMMUNODEFICIENCY VIRUS TYPE 1, RESISTANCE TO. Identifiers: MedGen C1836230, MONDO:0004951, OMIM 609423.

Submission:

Centro de Genética y Biología Molecular, Universidad de San Martín de Porres
Classification: Uncertain significance for Susceptibility to HIV infection. Last evaluated: 2025-01-20. Review status: criteria provided, single submitter. Criteria: ACMG Guidelines, 2015. Collection method: research. Allele origin: germline. Affected: yes. Observed: 1 heterozygote.
Comment: The NM_015231.3:c.3343G>C (p.Ala1115Pro) variant in the NUP160 gene is a missense change located within a protein that is an essential structural component of the nuclear pore complex, involved in mRNA export from the nucleus. NUP160 has also been implicated in processes relevant to HIV-1 nuclear import and infectivity, suggesting potential functional relevance. The variant is absent from major population frequency databases, including gnomAD, 1000 Genomes, and ExAC, supporting application of the PM2 criterion under the ACMG/AMP guidelines. No functional assays or familial segregation studies have been reported to date to clarify its clinical significance. Based on the available evidence, this variant is classified as of Uncertain Significance (VUS) following ACMG/AMP criteria, supported by PM2.

NM_015231.3(NUP160):c.3343G>C (p.Ala1115Pro)

Gene: NUP160 (nucleoporin 160; minus strand). Cytogenetic location: 11p11.2.
Variant type: single nucleotide variant.
Coding change: c.3343G>C on transcript NM_015231.3 (MANE Select); coding-DNA position 3343, G replaced by C.
Protein change: p.Ala1115Pro; replaces alanine 1115 with proline.
Molecular consequence: missense variant. On other transcripts: non-coding transcript variant (1).
Genome position (GRCh38, 1-based): chr11:47,792,791, C>G on the plus strand (G>C on the coding strand, the complement: NUP160 is on the minus strand). VCF-style: chr11-47792791-C-G. GRCh37 (hg19) VCF-style: chr11-47814343-C-G.
Other names: short protein forms A1115P.
Identifiers: ClinVar variation 4075742 (VCV004075742.1).
Genomic context (GRCh38, chr11:47,792,791, plus strand): 5'-AGATTTACTTGTTCCAGGATGAACCCCCAAATTCCAGGATGAAATGTTTTCATACCACTG[C>G]ACCAGACACTGGCTGCACAATCCACGCATATTCTGGACGAATAAGTCGTAAACAATTGAG-3'
Protein context (NP_056046.2, residues 1105-1125): YAWIVQPVSG[Ala1115Pro]VYDRPGASPK